The following is an entry in ClinVar:

NM_001114748.2(TMEM240):c.239C>T (p.Thr80Met)

Gene: TMEM240 (transmembrane protein 240; minus strand). Cytogenetic location: 1p36.33.
Variant type: single nucleotide variant.
Coding change: c.239C>T on transcript NM_001114748.2 (MANE Select); coding-DNA position 239, C replaced by T.
Protein change: p.Thr80Met; replaces threonine 80 with methionine.
Molecular consequence: missense variant.
Genome position (GRCh38, 1-based): chr1:1,535,723, G>A on the plus strand (C>T on the coding strand, the complement: TMEM240 is on the minus strand). VCF-style: chr1-1535723-G-A. GRCh37 (hg19) VCF-style: chr1-1471103-G-A.
Other names: short protein forms T80M.
Identifiers: ClinVar variation 161195 (VCV000161195.30), dbSNP rs606231454, ClinGen allele CA272848.
Genomic context (GRCh38, chr1:1,535,723, plus strand): 5'-ATGCAAAAGCCCAGCAGCAGCCCCAGCATGAGGTCGATCTCCTGCTTGGTCACACTGTCC[G>A]TCACAAAGTAGTTCTCGGAGGCGTCCACCACCGACTGGTCCCCGTCGTACGGGATCACGT-3'
Protein context (NP_001108220.1, residues 70-90): VVDASENYFV[Thr80Met]DSVTKQEIDL

ClinVar aggregate classification (germline): Conflicting classifications of pathogenicity. Review status: criteria provided, conflicting classifications (1 of 4 stars). 5 submissions from 5 submitters: Pathogenic (1); Uncertain significance (3). 1 of the submissions does not count toward it. Last evaluated 2025-03-04.

Conditions:
Spinocerebellar ataxia type 21 (SCA21). Identifiers: Orphanet 98773, MedGen C1843891, MONDO:0011833, OMIM 607454.

Allele frequency attached by ClinVar (database versions not stated): gnomAD 0.00003; gnomAD exomes 0.00004; TOPMed 0.00004; ExAC 0.00005.
gnomAD v4.1: 97 of 1,550,376 alleles (0.0063%); highest among the groups gnomAD compares: Non-Finnish European, 0.0072%; no homozygotes.

Submissions (5):

Center for Genomic Medicine, Rigshospitalet, Copenhagen University Hospital
Classification: Uncertain significance. Last evaluated: 2025-03-04. Review status: criteria provided, single submitter. Criteria: ACMG Guidelines, 2015. Collection method: clinical testing. Allele origin: germline.

CeGaT Center for Human Genetics Tuebingen
Classification: Uncertain significance. Last evaluated: 2024-02-01. Review status: criteria provided, single submitter. Criteria: CeGaT Center For Human Genetics Tuebingen Variant Classification Criteria Version 2. Collection method: clinical testing. Allele origin: germline. Affected: yes. Observed: 1 variant allele.
Comment: TMEM240: PM2, PS4:Moderate, PS3:Supporting

Labcorp Genetics (formerly Invitae), Labcorp
Classification: Uncertain significance. Last evaluated: 2023-09-11. Review status: criteria provided, single submitter. Criteria: Invitae Variant Classification Sherloc (09022015). Collection method: clinical testing. Allele origin: germline.
Comment: This variant is present in population databases (rs606231454, gnomAD 0.009%). This missense change has been observed in individual(s) with spinocerebellar ataxia (PMID: 25070513). In at least one individual the variant was observed to be de novo. ClinVar contains an entry for this variant (Variation ID: 161195). An algorithm developed to predict the effect of missense changes on protein structure and function (PolyPhen-2) suggests that this variant is likely to be disruptive. In summary, the available evidence is currently insufficient to determine the role of this variant in disease. Therefore, it has been classified as a Variant of Uncertain Significance. This sequence change replaces threonine, which is neutral and polar, with methionine, which is neutral and non-polar, at codon 80 of the TMEM240 protein (p.Thr80Met).

Molecular Medicine for Neurodegenerative and Neuromuscular Diseases Unit, IRCCS Fondazione Stella Maris
Classification: Pathogenic for Spinocerebellar ataxia type 21. Last evaluated: 2021-01-04. Review status: criteria provided, single submitter. Criteria: ACMG Guidelines, 2015. Collection method: research. Allele origin: unknown. Affected: yes.

OMIM
Classification: Pathogenic for SPINOCEREBELLAR ATAXIA 21. Last evaluated: 2014-10-01. Review status: no assertion criteria provided. Collection method: literature only. Allele origin: germline. Not counted in ClinVar's aggregate classification.

Literature cited by the submitters: PubMed 25070513 (cited by 3 submitters); PubMed 34445196 (cited by Center for Genomic Medicine, Rigshospitalet, Copenhagen University Hospital); PubMed 35869996 (cited by Center for Genomic Medicine, Rigshospitalet, Copenhagen University Hospital); PubMed 30184469 (cited by Center for Genomic Medicine, Rigshospitalet, Copenhagen University Hospital).